The following is an entry in ClinVar:

ClinVar aggregate classification (germline): Benign. Review status: criteria provided, single submitter (1 of 4 stars). 2 submissions from 2 submitters: Benign (1). 1 of the submissions does not count toward it. Last evaluated 2025-12-16.

Conditions:
FCSK-related disorder. Also called: FCSK-related condition.

Allele frequency attached by ClinVar (database versions not stated): ESP Exome Variant Server 0.00008; gnomAD exomes 0.00043 and 0.00198; gnomAD 0.00078 and 0.00100; TOPMed 0.00106; ExAC 0.00185; 1000 Genomes Project 0.00519; 1000 Genomes Project 30x 0.00547.
gnomAD v4.1: 875 of 1,613,890 alleles (0.054%); highest among the groups gnomAD compares: East Asian, 1.4%; 10 homozygotes.

Submissions (2):

Labcorp Genetics (formerly Invitae), Labcorp
Classification: Benign. Last evaluated: 2025-12-16. Review status: criteria provided, single submitter. Criteria: Invitae Variant Classification Sherloc (09022015). Collection method: clinical testing. Allele origin: germline.

PreventionGenetics, part of Exact Sciences
Classification: Benign for FCSK-related condition. Last evaluated: 2019-05-22. Review status: no assertion criteria provided. Collection method: clinical testing. Allele origin: germline. Not counted in ClinVar's aggregate classification.
Comment: This variant is classified as benign based on ACMG/AMP sequence variant interpretation guidelines (Richards et al. 2015 PMID: 25741868, with internal and published modifications).

NM_145059.3(FCSK):c.335C>T (p.Pro112Leu)

Gene: FCSK (fucose kinase; plus strand). Cytogenetic location: 16q22.1.
Variant type: single nucleotide variant.
Coding change: c.335C>T on transcript NM_145059.3 (MANE Select); coding-DNA position 335, C replaced by T.
Protein change: p.Pro112Leu; replaces proline 112 with leucine.
Molecular consequence: missense variant.
Genome position (GRCh38, 1-based): chr16:70,466,181, C>T. VCF-style: chr16-70466181-C-T. GRCh37 (hg19) VCF-style: chr16-70500084-C-T.
Other names: c.335C>T (NM_145059.2); short protein forms P112L.
Identifiers: ClinVar variation 1682347 (VCV001682347.10), dbSNP rs140084649, ClinGen allele CA8142852.
Genomic context (GRCh38, chr16:70,466,181, plus strand): 5'-CCGACTTCCAGGGTCGAGACTTCCCCTTTGATGACTGTGGCAGGGCTTTCACCTGCCTCC[C>T]CGTGGAGAACCCCGAGGCCCCCGTGGAAGCCTTGGTCTGCAACCTGGACTGCCTGCTGGA-3'
Protein context (NP_659496.2, residues 102-122): DDCGRAFTCL[Pro112Leu]VENPEAPVEA